The following is an entry in ClinVar:

ClinVar aggregate classification (germline): Uncertain significance (1 of 4 stars; one submission).

Conditions:
Charcot-Marie-Tooth disease axonal type 2P. Also called: CHARCOT-MARIE-TOOTH NEUROPATHY, TYPE 2P; Charcot-Marie-Tooth Neuropathy Type 2G; CHARCOT-MARIE-TOOTH DISEASE, AXONAL, TYPE 2G; CMT 2G. Identifiers: Orphanet 300319, Orphanet 99941, MedGen C3280797, MONDO:0013753, OMIM 614436.

Submission:

Labcorp Genetics (formerly Invitae), Labcorp
Classification: Uncertain significance for Charcot-Marie-Tooth disease axonal type 2P. Last evaluated: 2023-05-16. Review status: criteria provided, single submitter. Criteria: Invitae Variant Classification Sherloc (09022015). Collection method: clinical testing. Allele origin: germline.
Comment: In summary, the available evidence is currently insufficient to determine the role of this variant in disease. Therefore, it has been classified as a Variant of Uncertain Significance. This variant disrupts the p.Pro707 amino acid residue in LRSAM1. Other variant(s) that disrupt this residue have been determined to be pathogenic (PMID: 28335037, 32376792). This suggests that this residue is clinically significant, and that variants that disrupt this residue are likely to be disease-causing. Advanced modeling of protein sequence and biophysical properties (such as structural, functional, and spatial information, amino acid conservation, physicochemical variation, residue mobility, and thermodynamic stability) performed at Invitae indicates that this missense variant is expected to disrupt LRSAM1 protein function. This variant has not been reported in the literature in individuals affected with LRSAM1-related conditions. This variant is not present in population databases (gnomAD no frequency). This sequence change replaces proline, which is neutral and non-polar, with arginine, which is basic and polar, at codon 707 of the LRSAM1 protein (p.Pro707Arg).

Literature cited by the submitters: PubMed 28335037; PubMed 32376792.

NM_001005373.4(LRSAM1):c.2120C>G (p.Pro707Arg)

Gene: LRSAM1 (leucine rich repeat and sterile alpha motif containing 1; plus strand). Cytogenetic location: 9q34.11.
Variant type: single nucleotide variant.
Coding change: c.2120C>G on transcript NM_001005373.4 (MANE Select); coding-DNA position 2120, C replaced by G.
Protein change: p.Pro707Arg; replaces proline 707 with arginine.
Molecular consequence: missense variant. On other transcripts: non-coding transcript variant (2).
Genome position (GRCh38, 1-based): chr9:127,502,847, C>G. VCF-style: chr9-127502847-C-G. GRCh37 (hg19) VCF-style: chr9-130265126-C-G.
Other names: c.2120C>G, p.Pro707Arg (NM_001005374.4, NM_001384142.1, NM_138361.5); c.2039C>G, p.Pro680Arg (NM_001190723.3); c.2021C>G, p.Pro674Arg (NM_001384143.1); c.1331C>G, p.Pro444Arg (NM_001384144.1); short protein forms P444R, P707R, P674R, P680R.
Identifiers: ClinVar variation 2864766 (VCV002864766.3), dbSNP rs797044913, ClinGen allele CA374939554.